The following is an entry in ClinVar:

ClinVar aggregate classification (germline): Uncertain significance. Review status: criteria provided, multiple submitters, no conflicts (2 of 4 stars). 2 submissions from 2 submitters: Uncertain significance (2). Last evaluated 2024-10-23.

Conditions:
Alpha-methylacyl-CoA racemase deficiency (AMACRD). Also called: AMACR deficiency. Identifiers: Orphanet 79095, MedGen C3280428, MONDO:0013681, OMIM 614307. Disease mechanism: loss of function.

Submissions (2):

Labcorp Genetics (formerly Invitae), Labcorp
Classification: Uncertain significance for Alpha-methylacyl-CoA racemase deficiency. Last evaluated: 2024-10-23. Review status: criteria provided, single submitter. Criteria: Invitae Variant Classification Sherloc (09022015). Collection method: clinical testing. Allele origin: germline.
Comment: This sequence change replaces methionine, which is neutral and non-polar, with leucine, which is neutral and non-polar, at codon 261 of the AMACR protein (p.Met261Leu). This variant is not present in population databases (gnomAD no frequency). This variant has not been reported in the literature in individuals affected with AMACR-related conditions. ClinVar contains an entry for this variant (Variation ID: 235253). Invitae Evidence Modeling of protein sequence and biophysical properties (such as structural, functional, and spatial information, amino acid conservation, physicochemical variation, residue mobility, and thermodynamic stability) indicates that this missense variant is not expected to disrupt AMACR protein function with a negative predictive value of 80%. In summary, the available evidence is currently insufficient to determine the role of this variant in disease. Therefore, it has been classified as a Variant of Uncertain Significance.

Center for Pediatric Genomic Medicine, Children's Mercy Hospital and Clinics
Classification: Uncertain significance. Last evaluated: 2015-06-04. Review status: criteria provided, single submitter. Criteria: ACMG Guidelines, 2015. Collection method: clinical testing. Allele origin: germline.
ClinVar note: Converted during submission from Uncertain Significance to Uncertain significance.

NM_014324.6(AMACR):c.781A>T (p.Met261Leu)

Genes: C1QTNF3-AMACR (C1QTNF3-AMACR readthrough (NMD candidate); minus strand), AMACR (alpha-methylacyl-CoA racemase; minus strand). Cytogenetic location: 5p13.2.
Variant type: single nucleotide variant.
Coding change: c.781A>T on transcript NM_014324.6 (MANE Select); coding-DNA position 781, A replaced by T.
Protein change: p.Met261Leu; replaces methionine 261 with leucine.
Molecular consequence: missense variant. On other transcripts: non-coding transcript variant (1), 3 prime UTR variant (1).
Genome position (GRCh38, 1-based): chr5:33,989,461, T>A on the plus strand (A>T on the coding strand, the complement: AMACR is on the minus strand). VCF-style: chr5-33989461-T-A. GRCh37 (hg19) VCF-style: chr5-33989566-T-A.
Other names: c.781A>T, p.Met261Leu (NM_001167595.2); c.*23A>T (NM_203382.3); short protein forms M261L.
Identifiers: ClinVar variation 235253 (VCV000235253.7), dbSNP rs878852990, ClinGen allele CA10581254.